The following is an entry in ClinVar:

ClinVar aggregate classification (germline): Likely benign. Review status: criteria provided, multiple submitters, no conflicts (2 of 4 stars). 2 submissions from 2 submitters: Likely benign (2). Last evaluated 2025-10-26.

Conditions:
Pheochromocytoma/paraganglioma syndrome 4. Also called: CAROTID BODY TUMORS AND MULTIPLE EXTRAADRENAL PHEOCHROMOCYTOMAS; PARAGANGLIOMA, FAMILIAL MALIGNANT; PARAGANGLIOMAS, HEREDITARY EXTRAADRENAL; PHEOCHROMOCYTOMA, FAMILIAL EXTRAADRENAL; SDHB-Related Hereditary Paraganglioma-Pheochromocytoma Syndrome; SDHB-Related Hereditary Paraganglioma-Pheochromocytoma Syndrome (Paragangliomas 4). Identifiers: Orphanet 29072, MedGen C1861848, MONDO:0007273, OMIM 115310.
Pheochromocytoma. Also called: MAX-Related Hereditary Paraganglioma-Pheochromocytoma Syndrome. Identifiers: Orphanet 29072, MedGen C0031511, MONDO:0008233, OMIM 171300, HP:0002666.
Gastrointestinal stromal tumor. Also called: Gastrointestinal stroma tumor; Gastrointestinal stromal tumor, somatic. Identifiers: Orphanet 44890, MedGen C0238198, MeSH D046152, MONDO:0011719, OMIM 606764, HP:0100723.

Allele frequency attached by ClinVar (database versions not stated): gnomAD exomes below 0.00001.
gnomAD v4.1: 1 of 1,613,330 alleles (0.000062%); highest among the groups gnomAD compares: Non-Finnish European, 0.000085%; no homozygotes.

Submissions (2):

Labcorp Genetics (formerly Invitae), Labcorp
Classification: Likely benign for Gastrointestinal stromal tumor; Pheochromocytoma/paraganglioma syndrome 4; Pheochromocytoma. Last evaluated: 2025-10-26. Review status: criteria provided, single submitter. Criteria: Invitae Variant Classification Sherloc (09022015). Collection method: clinical testing. Allele origin: germline.

Myriad Genetics, Inc.
Classification: Likely benign for Pheochromocytoma/paraganglioma syndrome 4. Last evaluated: 2025-03-12. Review status: criteria provided, single submitter. Criteria: Myriad Autosomal Dominant, Autosomal Recessive and X-Linked Classification Criteria (2023). Collection method: clinical testing. Allele origin: unknown.
Comment: This variant is considered likely benign. This variant is intronic and is not expected to impact mRNA splicing.

NM_003000.3(SDHB):c.287-16T>C

Gene: SDHB (succinate dehydrogenase complex iron sulfur subunit B; minus strand). Cytogenetic location: 1p36.13.
Variant type: single nucleotide variant.
Coding change: c.287-16T>C on transcript NM_003000.3 (MANE Select); 16 bases into the intron before coding-DNA position 287, T replaced by C.
Molecular consequence: intron variant.
Genome position (GRCh38, 1-based): chr1:17,028,752, A>G on the plus strand (T>C on the coding strand, the complement: SDHB is on the minus strand). VCF-style: chr1-17028752-A-G. GRCh37 (hg19) VCF-style: chr1-17355247-A-G.
Identifiers: ClinVar variation 1664633 (VCV001664633.9), dbSNP rs2078005658, ClinGen allele CA1156080551.